The following is an entry in ClinVar:

ClinVar aggregate classification (germline): Likely benign (1 of 4 stars; one submission).

Submission:

Mayo Clinic Laboratories, Mayo Clinic
Classification: Likely benign. Last evaluated: 2025-06-10. Review status: criteria provided, single submitter. Criteria: ACMG Guidelines, 2015. Collection method: clinical testing. Allele origin: germline. Observed: 1 variant allele.
Comment: BP4, BP7, PM2_supporting

NM_017414.4(USP18):c.858A>C (p.Pro286=)

Gene: USP18 (ubiquitin specific peptidase 18; plus strand). Cytogenetic location: 22q11.21.
Variant type: single nucleotide variant.
Coding change: c.858A>C on transcript NM_017414.4 (MANE Select); coding-DNA position 858, A replaced by C.
Protein change: p.Pro286=; no amino-acid change (proline 286 retained).
Molecular consequence: synonymous variant.
Genome position (GRCh38, 1-based): chr22:18,170,887, A>C. VCF-style: chr22-18170887-A-C. GRCh37 (hg19) VCF-style: chr22-18653654-A-C.
Other names: p.Pro286=.
Identifiers: ClinVar variation 4684447 (VCV004684447.1).
Genomic context (GRCh38, chr22:18,170,887, plus strand): 5'-GAGAAAGATCTGCCACTCCCTGTACTTCCCCCAGAGCTTGGATTTCAGCCAGATCCTTCC[A>C]ATGAAGCGAGAGTCTTGTGATGCTGAGGAGCAGGTGGGATGATCCCGACCTCCTTGCCAT-3'
Protein context (NP_059110.2, residues 276-296): PQSLDFSQIL[Pro286=]MKRESCDAEE